The following is an entry in ClinVar:

ClinVar aggregate classification (germline): Uncertain significance (1 of 4 stars; one submission).

Conditions:
Catecholaminergic polymorphic ventricular tachycardia (CVPT). Also called: Catecholamine-induced polymorphic ventricular tachycardia. Identifiers: Orphanet 3286, MedGen C5574922, MONDO:0017990.

Submission:

All of Us Research Program, National Institutes of Health
Classification: Uncertain significance for Catecholaminergic polymorphic ventricular tachycardia. Last evaluated: 2024-05-09. Review status: criteria provided, single submitter. Criteria: ACMG Guidelines, 2015. Collection method: clinical testing. Allele origin: germline. Inheritance: Autosomal dominant inheritance. Observed: 1 variant allele, 1 heterozygote.
Comment: This study involves interpretation of variants in research participants for the purpose of population health screening. Participant phenotype was not available at the time of variant classification. Additional details can be found in publication PMID: 35346344, PMCID: PMC8962531

NM_001035.3(RYR2):c.2603A>C (p.Asp868Ala)

Gene: RYR2 (ryanodine receptor 2; plus strand). Cytogenetic location: 1q43.
Variant type: single nucleotide variant.
Coding change: c.2603A>C on transcript NM_001035.3 (MANE Select); coding-DNA position 2603, A replaced by C.
Protein change: p.Asp868Ala; replaces aspartic acid 868 with alanine.
Molecular consequence: missense variant.
Genome position (GRCh38, 1-based): chr1:237,503,495, A>C. VCF-style: chr1-237503495-A-C. GRCh37 (hg19) VCF-style: chr1-237666795-A-C.
Other names: short protein forms D868A.
Identifiers: ClinVar variation 3385693 (VCV003385693.1).